The following is an entry in ClinVar:

ClinVar aggregate classification (germline): Uncertain significance (1 of 4 stars; one submission).

Conditions:
Short-rib thoracic dysplasia 14 with polydactyly (SRTD14). Identifiers: Orphanet 397715, MedGen C4225286, MONDO:0014688, OMIM 616546.
Joubert syndrome 23 (JBTS23). Identifiers: Orphanet 475, MedGen C4084822, MONDO:0014664, OMIM 616490.

gnomAD v4.1: 1 of 1,612,418 alleles (0.000062%); highest among the groups gnomAD compares: Non-Finnish European, 0.000085%; no homozygotes.

Submission:

Labcorp Genetics (formerly Invitae), Labcorp
Classification: Uncertain significance for Joubert syndrome 23; Short-rib thoracic dysplasia 14 with polydactyly. Last evaluated: 2025-12-10. Review status: criteria provided, single submitter. Criteria: Invitae Variant Classification Sherloc (09022015). Collection method: clinical testing. Allele origin: germline.
Comment: This sequence change replaces leucine, which is neutral and non-polar, with isoleucine, which is neutral and non-polar, at codon 358 of the KIAA0586 protein (p.Leu358Ile). This variant is not present in population databases (gnomAD no frequency). This variant has not been reported in the literature in individuals affected with KIAA0586-related conditions. Invitae Evidence Modeling of protein sequence and biophysical properties (such as structural, functional, and spatial information, amino acid conservation, physicochemical variation, residue mobility, and thermodynamic stability) indicates that this missense variant is not expected to disrupt KIAA0586 protein function with a negative predictive value of 80%. In summary, the available evidence is currently insufficient to determine the role of this variant in disease. Therefore, it has been classified as a Variant of Uncertain Significance.

NM_001329943.3(KIAA0586):c.913C>A (p.Leu305Ile)

Gene: KIAA0586 (KIAA0586; plus strand). Cytogenetic location: 14q23.1.
Variant type: single nucleotide variant.
Coding change: c.913C>A on transcript NM_001329943.3 (MANE Select); coding-DNA position 913, C replaced by A.
Protein change: p.Leu305Ile; replaces leucine 305 with isoleucine.
Molecular consequence: missense variant.
Genome position (GRCh38, 1-based): chr14:58,448,445, C>A. VCF-style: chr14-58448445-C-A. GRCh37 (hg19) VCF-style: chr14-58915163-C-A.
Other names: c.1072C>A, p.Leu358Ile (NM_001244189.2); c.868C>A, p.Leu290Ile (NM_001244190.2); c.658C>A, p.Leu220Ile (NM_001244191.2, NM_001329945.2, NM_001364700.1 and 1 more transcripts); c.781C>A, p.Leu261Ile (NM_001244192.2); c.493C>A, p.Leu165Ile (NM_001244193.2); c.913C>A, p.Leu305Ile (NM_001329944.2, NM_001329946.2, NM_001329947.2 and 1 more transcripts); short protein forms L261I, L305I, L358I, L165I, L220I, L290I.
Identifiers: ClinVar variation 4782937 (VCV004782937.1).